The following is an entry in ClinVar:

NM_001134363.3(RBM20):c.2097_2101del (p.Asp699fs)

Gene: RBM20 (RNA binding motif protein 20; plus strand). Cytogenetic location: 10q25.2.
Variant type: Deletion.
Coding change: c.2097_2101del on transcript NM_001134363.3 (MANE Select); coding-DNA positions 2097 to 2101, 5 bases deleted (CAAGA; older notation c.2097_2101delCAAGA).
Protein change: p.Asp699fs; shifts the reading frame from aspartic acid 699.
Molecular consequence: frameshift variant.
Genome position (GRCh38, 1-based): chr10:110,812,494-110,812,498, CAAGA deleted; deleting any 5 consecutive bases within chr10:110,812,492-110,812,498 gives the same sequence; the c. name uses the placement nearest the transcript's 3' end. VCF-style (leftmost placement, unchanged base first): chr10-110812491-TGACAA-T. GRCh37 (hg19) VCF-style: chr10-112572249-TGACAA-T.
Other names: short protein forms D699fs.
Identifiers: ClinVar variation 4531373 (VCV004531373.3).

ClinVar aggregate classification (germline): Likely pathogenic (1 of 4 stars; one submission).

Conditions:
Dilated cardiomyopathy 1DD (CMD1DD). Identifiers: Orphanet 154, MedGen C2750995, MONDO:0013168, OMIM 613172.

Submission:

Victorian Clinical Genetics Services, Murdoch Childrens Research Institute
Classification: Likely pathogenic for Dilated cardiomyopathy 1DD. Last evaluated: 2026-03-03. Review status: criteria provided, single submitter. Criteria: ACMG Guidelines, 2015. Collection method: clinical testing. Allele origin: germline. Affected: no.
Comment: This variant is classified as Likely pathogenic. Evidence in support of pathogenic classification: Variant is predicted to cause nonsense-mediated decay (NMD) and loss of protein (premature termination codon is located at least 54 nucleotides upstream of the final exon-exon junction); Variant is absent from gnomAD (v2, v3 and v4); Other NMD-predicted variants comparable to the one identified in this case have strong previous evidence for pathogenicity. NMD-predicted variants in this gene have been classified as VUS by clinical laboratories in ClinVar; however, many have been reported as likely pathogenic/pathogenic and/or in individuals with cardiac conditions such as dilated cardiomyopathy and arrhythmias (ClinVar, VCGS internal data, PMIDs: 32789749, 29895960, 35284542, 34201072). One of the reported individuals is homozygous for p.(Gly1031*), with uniparental inheritance from an unaffected parent (PMID: 29895960). Another individual with severe DCM has a frameshift variant, p.(Glu792Glyfs*9) inherited from their mother who has a clinical history of arrhythmias, and a paternally inherited nonsense variant in the TTN gene (PMID: 34201072). Additional information: This variant is heterozygous; This gene is associated with autosomal dominant disease; This variant has no previous evidence of pathogenicity; No published evidence of segregation with disease has been identified for this variant; No published functional evidence has been identified for this variant; Loss of function is a likely mechanism of disease in this gene and is associated with dilated cardiomyopathy 1DD (MIM#613172) (PMIDs: 27496873, 34575212). While some publications suggest a dominant negative mechanism for variants in the hotspot region affecting residues between 630 and 640 (PMIDs: 32187365, 29895960), haploinsufficiency has been shown by a recent paper for a single missense variant (PMID: 32840935). Gain of function has also been suggested (PMID: 34575212).

Literature cited by the submitters: PubMed 34201072; PubMed 29895960; PubMed 27496873; PubMed 32187365; PubMed 32840935; PubMed 35284542; PubMed 32789749; PubMed 34575212.